The following is an entry in ClinVar:

ClinVar aggregate classification (germline): Uncertain significance (1 of 4 stars; one submission).

Submission:

Labcorp Genetics (formerly Invitae), Labcorp
Classification: Uncertain significance. Last evaluated: 2025-07-28. Review status: criteria provided, single submitter. Criteria: Invitae Variant Classification Sherloc (09022015). Collection method: clinical testing. Allele origin: germline.
Comment: This sequence change replaces glycine, which is neutral and non-polar, with glutamic acid, which is acidic and polar, at codon 1592 of the COL7A1 protein (p.Gly1592Glu). This variant is not present in population databases (gnomAD no frequency). This variant has not been reported in the literature in individuals affected with COL7A1-related conditions. ClinVar contains an entry for this variant (Variation ID: 1522014). Invitae Evidence Modeling of protein sequence and biophysical properties (such as structural, functional, and spatial information, amino acid conservation, physicochemical variation, residue mobility, and thermodynamic stability) indicates that this missense variant is expected to disrupt COL7A1 protein function with a positive predictive value of 95%. This variant disrupts the triple helix domain of COL7A1. Glycine residues within the Gly-Xaa-Yaa repeats of the triple helix domain are required for the structure and stability of fibrillar collagens (PMID: 7695699, 8218237, 19344236), and variants at these glycine residues in COL7A1 are more frequently observed in individuals with disease than in the general population (PMID: 22058051). However, the clinical significance of this observation remains uncertain since only a limited number of affected individuals have been described to date. In summary, the available evidence is currently insufficient to determine the role of this variant in disease. Therefore, it has been classified as a Variant of Uncertain Significance.

Literature cited by the submitters: PubMed 7695699; PubMed 8218237; PubMed 19344236; PubMed 22058051.

NM_000094.4(COL7A1):c.4775G>A (p.Gly1592Glu)

Gene: COL7A1 (collagen type VII alpha 1 chain; minus strand). Cytogenetic location: 3p21.31.
Variant type: single nucleotide variant.
Coding change: c.4775G>A on transcript NM_000094.4 (MANE Select); coding-DNA position 4775, G replaced by A.
Protein change: p.Gly1592Glu; replaces glycine 1592 with glutamic acid.
Molecular consequence: missense variant.
Genome position (GRCh38, 1-based): chr3:48,581,580, C>T on the plus strand (G>A on the coding strand, the complement: COL7A1 is on the minus strand). VCF-style: chr3-48581580-C-T. GRCh37 (hg19) VCF-style: chr3-48619013-C-T.
Other names: short protein forms G1592E.
Identifiers: ClinVar variation 1522014 (VCV001522014.8), dbSNP rs2107713178, ClinGen allele CA352684552.